The following is an entry in ClinVar:

ClinVar aggregate classification (germline): Likely pathogenic (1 of 4 stars; one submission).

Conditions:
Autosomal recessive limb-girdle muscular dystrophy type 2C (LGMDR5). Also called: MUSCULAR DYSTROPHY, DUCHENNE-LIKE; MUSCULAR DYSTROPHY, LIMB-GIRDLE, AUTOSOMAL RECESSIVE 5. Identifiers: Orphanet 353, MedGen C0410173, MONDO:0009677, OMIM 253700. Disease mechanism: Affects gamma-sarcoglycan and also disrupts the integrity of the entire sarcoglycan complex..

Submission:

Labcorp Genetics (formerly Invitae), Labcorp
Classification: Likely pathogenic for Autosomal recessive limb-girdle muscular dystrophy type 2C. Last evaluated: 2022-12-16. Review status: criteria provided, single submitter. Criteria: Invitae Variant Classification Sherloc (09022015). Collection method: clinical testing. Allele origin: germline.
Comment: This sequence change affects a donor splice site in intron 6 of the SGCG gene. It is expected to disrupt RNA splicing. Variants that disrupt the donor or acceptor splice site typically lead to a loss of protein function (PMID: 16199547), and loss-of-function variants in SGCG are known to be pathogenic (PMID: 18285821). This variant is not present in population databases (gnomAD no frequency). In summary, the currently available evidence indicates that the variant is pathogenic, but additional data are needed to prove that conclusively. Therefore, this variant has been classified as Likely Pathogenic. Algorithms developed to predict the effect of sequence changes on RNA splicing suggest that this variant may disrupt the consensus splice site. This variant has not been reported in the literature in individuals affected with SGCG-related conditions.

Literature cited by the submitters: PubMed 16199547; PubMed 18285821.

NM_000231.3(SGCG):c.578+1G>T

Gene: SGCG (sarcoglycan gamma; plus strand). Cytogenetic location: 13q12.12.
Variant type: single nucleotide variant.
Coding change: c.578+1G>T on transcript NM_000231.3 (MANE Select); the canonical splice donor site of the intron after coding-DNA position 578, G replaced by T.
Molecular consequence: splice donor variant.
Genome position (GRCh38, 1-based): chr13:23,295,488, G>T. VCF-style: chr13-23295488-G-T. GRCh37 (hg19) VCF-style: chr13-23869627-G-T.
Other names: c.632+1G>T (NM_001378244.1); c.578+1G>T (NM_001378245.1, NM_001378246.1).
Identifiers: ClinVar variation 2821531 (VCV002821531.3), dbSNP rs1555245353, ClinGen allele CA387504409.